The following is an entry in ClinVar:

NM_004727.3(SLC24A1):c.*766G>A

Gene: SLC24A1 (solute carrier family 24 member 1; plus strand). Cytogenetic location: 15q22.31.
Variant type: single nucleotide variant.
Coding change: c.*766G>A on transcript NM_004727.3 (MANE Select); 766 bases downstream of the stop codon, G replaced by A.
Molecular consequence: 3 prime UTR variant. On other transcripts: intron variant (1).
Genome position (GRCh38, 1-based): chr15:65,654,845, G>A. VCF-style: chr15-65654845-G-A. GRCh37 (hg19) VCF-style: chr15-65947183-G-A.
Other names: c.*766G>A (NM_001254740.2, NM_001301031.1, NM_001301032.1); c.2996+2037G>A (NM_001301033.2).
Identifiers: ClinVar variation 316816 (VCV000316816.6), dbSNP rs140766380, ClinGen allele CA7620371.

ClinVar aggregate classification (germline): Benign. Review status: criteria provided, multiple submitters, no conflicts (2 of 4 stars). 2 submissions from 2 submitters: Benign (2). Last evaluated 2018-01-13.

Conditions:
Congenital stationary night blindness 1D. Also called: Night blindness, congenital stationary (complete), 1D, autosomal recessive. Identifiers: Orphanet 215, MedGen C3151193, MONDO:0013450, OMIM 613830.

Allele frequency attached by ClinVar (database versions not stated): 1000 Genomes Project 30x 0.02592; 1000 Genomes Project 0.02656; gnomAD 0.03114 and 0.03156; TOPMed 0.03184; gnomAD exomes 0.04036 and 0.04252; ExAC 0.12885.
gnomAD v4.1: 43,812 of 1,070,260 alleles (4.1%); highest among the groups gnomAD compares: South Asian, 5.5%; 1,029 homozygotes.

Submissions (2):

Illumina Laboratory Services, Illumina
Classification: Benign for Congenital stationary night blindness 1D. Last evaluated: 2018-01-13. Review status: criteria provided, single submitter. Criteria: ICSL Variant Classification Criteria 13 December 2019. Collection method: clinical testing. Allele origin: germline.
Comment: This variant was observed in the ICSL laboratory as part of a predisposition screen in an ostensibly healthy population. It had not been previously curated by ICSL or reported in the Human Gene Mutation Database (HGMD: prior to June 1st, 2018), and was therefore a candidate for classification through an automated scoring system. Utilizing variant allele frequency, disease prevalence and penetrance estimates, and inheritance mode, an automated score was calculated to assess if this variant is too frequent to cause the disease. Based on the score and internal cut-off values, a variant classified as benign is not then subjected to further curation. The score for this variant resulted in a classification of benign for this disease.

Breakthrough Genomics
Classification: Benign. Review status: criteria provided, single submitter. Criteria: ACMG Guidelines, 2015. Collection method: not provided. Allele origin: germline. Inheritance: Autosomal recessive inheritance. Affected: yes.